The following is an entry in ClinVar:

NM_001164508.2(NEB):c.16444C>T (p.Arg5482Cys)

Gene: NEB (nebulin; minus strand). Cytogenetic location: 2q23.3.
Variant type: single nucleotide variant.
Coding change: c.16444C>T on transcript NM_001164508.2 (MANE Select); coding-DNA position 16444, C replaced by T.
Protein change: p.Arg5482Cys; replaces arginine 5482 with cysteine.
Molecular consequence: missense variant. On other transcripts: intron variant (1).
Genome position (GRCh38, 1-based): chr2:151,579,598, G>A on the plus strand (C>T on the coding strand, the complement: NEB is on the minus strand). VCF-style: chr2-151579598-G-A. GRCh37 (hg19) VCF-style: chr2-152436112-G-A.
Other names: c.16444C>T, p.Arg5482Cys (NM_001164507.2, NM_001271208.2); c.11602-3244C>T (NM_004543.5); short protein forms R5482C.
Identifiers: ClinVar variation 2434249 (VCV002434249.6), dbSNP rs1430692984, ClinGen allele CA348752240.

ClinVar aggregate classification (germline): Uncertain significance. Review status: criteria provided, multiple submitters, no conflicts (2 of 4 stars). 3 submissions from 3 submitters: Uncertain significance (2). 1 of the submissions does not count toward it. Last evaluated 2024-02-27.

Conditions:
Nemaline myopathy 2 (NEM2). Also called: Nemaline myopathy 2, autosomal recessive. Identifiers: MedGen C1850569, MONDO:0009725, OMIM 256030.
Arthrogryposis multiplex congenita 6. Identifiers: MedGen C5543431, MONDO:0030281, OMIM 619334.

Submissions (3):

Revvity Omics, Revvity
Classification: Uncertain significance. Last evaluated: 2024-02-27. Review status: criteria provided, single submitter. Criteria: ACMG Guidelines, 2015. Collection method: clinical testing. Allele origin: germline.

Juno Genomics, Hangzhou Juno Genomics, Inc
Classification: Uncertain significance for Arthrogryposis multiplex congenita 6; Nemaline myopathy 2. Review status: criteria provided, single submitter. Criteria: ACMG Guidelines, 2015. Collection method: clinical testing. Allele origin: germline.
Comment: Absent from controls (or at extremely low frequency if recessive) in Genome Aggregation Database.;Multiple lines of computational evidence support a deleterious effect on the gene or gene product.;Missense variant in a gene that has a low rate of benign missense variation.

Natera, Inc.
Classification: Uncertain significance for Nemaline myopathy type 2. Last evaluated: 2025-04-10. Review status: no assertion criteria provided. Collection method: clinical testing. Allele origin: germline. Not counted in ClinVar's aggregate classification.